The following is an entry in ClinVar:

ClinVar aggregate classification (germline): Uncertain significance (1 of 4 stars; one submission).

Conditions:
Inborn genetic diseases. Identifiers: MedGen C0950123, MeSH D030342.

Submission:

Ambry Genetics
Classification: Uncertain significance for Inborn genetic diseases. Last evaluated: 2026-05-14. Review status: criteria provided, single submitter. Criteria: Ambry Variant Classification Scheme 2023. Collection method: clinical testing. Allele origin: germline.
Comment: The p.Q623R variant (also known as c.1868A>G), located in coding exon 13 of the ASXL1 gene, results from an A to G substitution at nucleotide position 1868. The glutamine at codon 623 is replaced by arginine, an amino acid with highly similar properties. This amino acid position is conserved. In addition, this alteration is predicted to be tolerated by in silico analysis. Based on the available evidence, the clinical significance of this variant remains unclear.

NM_015338.6(ASXL1):c.1868A>G (p.Gln623Arg)

Gene: ASXL1 (ASXL transcriptional regulator 1; plus strand). Cytogenetic location: 20q11.21.
Variant type: single nucleotide variant.
Coding change: c.1868A>G on transcript NM_015338.6 (MANE Select); coding-DNA position 1868, A replaced by G.
Protein change: p.Gln623Arg; replaces glutamine 623 with arginine.
Molecular consequence: missense variant.
Genome position (GRCh38, 1-based): chr20:32,434,580, A>G. VCF-style: chr20-32434580-A-G. GRCh37 (hg19) VCF-style: chr20-31022383-A-G.
Other names: c.1685A>G, p.Gln562Arg (NM_001363734.1); short protein forms Q562R, Q623R.
Identifiers: ClinVar variation 4864594 (VCV004864594.1).